The following is an entry in ClinVar:

ClinVar aggregate classification (germline): Likely benign. Review status: criteria provided, multiple submitters, no conflicts (2 of 4 stars). 3 submissions from 3 submitters: Likely benign (2). 1 of the submissions does not count toward it. Last evaluated 2024-12-16.

Conditions:
PHYH-related disorder. Also called: PHYH-related condition.

Allele frequency attached by ClinVar (database versions not stated): ESP Exome Variant Server 0.00008; gnomAD 0.00008; TOPMed 0.00008; ExAC 0.00009; gnomAD exomes 0.00009; 1000 Genomes Project 30x 0.00016; 1000 Genomes Project 0.00020.
gnomAD v4.1: 181 of 1,613,938 alleles (0.011%); highest among the groups gnomAD compares: South Asian, 0.022%; no homozygotes.

Submissions (3):

Labcorp Genetics (formerly Invitae), Labcorp
Classification: Likely benign. Last evaluated: 2024-12-16. Review status: criteria provided, single submitter. Criteria: Invitae Variant Classification Sherloc (09022015). Collection method: clinical testing. Allele origin: germline.

Blueprint Genetics
Classification: Likely benign. Last evaluated: 2023-08-15. Review status: criteria provided, single submitter. Criteria: ACMG Guidelines, 2015. Collection method: clinical testing. Allele origin: germline.

PreventionGenetics, part of Exact Sciences
Classification: Likely benign for PHYH-related condition. Last evaluated: 2024-06-11. Review status: no assertion criteria provided. Collection method: clinical testing. Allele origin: germline. Not counted in ClinVar's aggregate classification.
Comment: This variant is classified as likely benign based on ACMG/AMP sequence variant interpretation guidelines (Richards et al. 2015 PMID: 25741868, with internal and published modifications).

NM_006214.4(PHYH):c.759C>T (p.Gly253=)

Gene: PHYH (phytanoyl-CoA 2-hydroxylase; minus strand). Cytogenetic location: 10p13.
Variant type: single nucleotide variant.
Coding change: c.759C>T on transcript NM_006214.4 (MANE Select); coding-DNA position 759, C replaced by T.
Protein change: p.Gly253=; no amino-acid change (glycine 253 retained).
Molecular consequence: synonymous variant.
Genome position (GRCh38, 1-based): chr10:13,283,759, G>A on the plus strand (C>T on the coding strand, the complement: PHYH is on the minus strand). VCF-style: chr10-13283759-G-A. GRCh37 (hg19) VCF-style: chr10-13325759-G-A.
Other names: c.459C>T, p.Gly153= (NM_001037537.2, NM_001323080.2); c.765C>T, p.Gly255= (NM_001323082.2); c.495C>T, p.Gly165= (NM_001323083.2); c.465C>T, p.Gly155= (NM_001323084.2); c.759C>T (NM_006214.3).
Identifiers: ClinVar variation 1098975 (VCV001098975.11), dbSNP rs201167753, ClinGen allele CA5412244.